The following is an entry in ClinVar:

NM_000878.5(IL2RB):c.1490G>C (p.Gly497Ala)

Gene: IL2RB (interleukin 2 receptor subunit beta; minus strand). Cytogenetic location: 22q12.3.
Variant type: single nucleotide variant.
Coding change: c.1490G>C on transcript NM_000878.5 (MANE Select); coding-DNA position 1490, G replaced by C.
Protein change: p.Gly497Ala; replaces glycine 497 with alanine.
Molecular consequence: missense variant.
Genome position (GRCh38, 1-based): chr22:37,128,262, C>G on the plus strand (G>C on the coding strand, the complement: IL2RB is on the minus strand). VCF-style: chr22-37128262-C-G. GRCh37 (hg19) VCF-style: chr22-37524302-C-G.
Other names: c.1490G>C, p.Gly497Ala (NM_001346222.1, NM_001346223.2); short protein forms G497A.
Identifiers: ClinVar variation 1925090 (VCV001925090.5), dbSNP rs1331282886, ClinGen allele CA411423832.

ClinVar aggregate classification (germline): Uncertain significance (1 of 4 stars; one submission).

Allele frequency attached by ClinVar (database versions not stated): gnomAD exomes below 0.00001; gnomAD 0.00001; TOPMed 0.00002.
gnomAD v4.1: 2 of 1,498,364 alleles (0.00013%); highest among the groups gnomAD compares: Admixed American, 0.0048%; no homozygotes.

Submission:

Labcorp Genetics (formerly Invitae), Labcorp
Classification: Uncertain significance. Last evaluated: 2022-02-23. Review status: criteria provided, single submitter. Criteria: Invitae Variant Classification Sherloc (09022015). Collection method: clinical testing. Allele origin: germline.
Comment: Algorithms developed to predict the effect of missense changes on protein structure and function are either unavailable or do not agree on the potential impact of this missense change (SIFT: "Tolerated"; PolyPhen-2: "Possibly Damaging"; Align-GVGD: "Class C0"). This variant has not been reported in the literature in individuals affected with IL2RB-related conditions. This variant is present in population databases (no rsID available, gnomAD 0.006%). This sequence change replaces glycine, which is neutral and non-polar, with alanine, which is neutral and non-polar, at codon 497 of the IL2RB protein (p.Gly497Ala). In summary, the available evidence is currently insufficient to determine the role of this variant in disease. Therefore, it has been classified as a Variant of Uncertain Significance.